The following is an entry in ClinVar:

ClinVar aggregate classification (germline): Uncertain significance (1 of 4 stars; one submission).

gnomAD v4.1: 22 of 1,596,436 alleles (0.0014%); highest among the groups gnomAD compares: Non-Finnish European, 0.0018%; no homozygotes.

Submission:

Women's Health and Genetics/Laboratory Corporation of America, LabCorp
Classification: Uncertain significance. Last evaluated: 2025-11-07. Review status: criteria provided, single submitter. Criteria: LabCorp Variant Classification Summary - May 2015. Collection method: clinical testing. Allele origin: germline.
Comment: Variant summary: AMH c.444C>G (p.Phe148Leu) results in a non-conservative amino acid change in the encoded protein sequence. Algorithms developed to predict the effect of missense changes on protein structure and function all suggest that this variant is likely to be disruptive. The variant allele was found at a frequency of 9.3e-06 in 216048 control chromosomes. c.444C>G has been observed in at least 2 alleles (number of individual(s) unclear) in a cohort affected with Persistent Mullerian duct syndrome (example, Picard_2017). These data indicate that the variant may be associated with disease. To our knowledge, no experimental evidence demonstrating an impact on protein function has been reported. The following publications have been ascertained in the context of this evaluation (PMID: 11588147, 23295284, 24382961, 28528332, 16544032). No submitters have cited clinical-significance assessments for this variant to ClinVar. Based on the evidence outlined above, the variant was classified as VUS-possibly pathogenic.

Literature cited by the submitters: PubMed 28528332; PubMed 24382961; PubMed 23295284; PubMed 11588147; PubMed 16544032.

NM_000479.5(AMH):c.444C>G (p.Phe148Leu)

Gene: AMH (anti-Mullerian hormone; plus strand). Cytogenetic location: 19p13.3.
Variant type: single nucleotide variant.
Coding change: c.444C>G on transcript NM_000479.5 (MANE Select); coding-DNA position 444, C replaced by G.
Protein change: p.Phe148Leu; replaces phenylalanine 148 with leucine.
Molecular consequence: missense variant.
Genome position (GRCh38, 1-based): chr19:2,250,368, C>G. VCF-style: chr19-2250368-C-G. GRCh37 (hg19) VCF-style: chr19-2250367-C-G.
Other names: short protein forms F148L.
Identifiers: ClinVar variation 4536963 (VCV004536963.1).